The following is an entry in ClinVar:

ClinVar aggregate classification (germline): Uncertain significance (1 of 4 stars; one submission).

Conditions:
Christianson syndrome (MRXSCH). Also called: INTELLECTUAL DEVELOPMENTAL DISORDER, X-LINKED, SYNDROMIC, CHRISTIANSON TYPE; X-linked mental retardation, syndromic, Christianson type; SLC9A6-Related Syndromic Mental Retardation. Identifiers: Orphanet 85278, MedGen C2678194, MONDO:0010278, OMIM 300243.

Submission:

Labcorp Genetics (formerly Invitae), Labcorp
Classification: Uncertain significance for Christianson syndrome. Last evaluated: 2025-09-10. Review status: criteria provided, single submitter. Criteria: Invitae Variant Classification Sherloc (09022015). Collection method: clinical testing. Allele origin: germline.
Comment: This sequence change replaces alanine, which is neutral and non-polar, with threonine, which is neutral and polar, at codon 464 of the SLC9A6 protein (p.Ala464Thr). This variant is not present in population databases (gnomAD no frequency). This variant has not been reported in the literature in individuals affected with SLC9A6-related conditions. ClinVar contains an entry for this variant (Variation ID: 1934281). Invitae Evidence Modeling of protein sequence and biophysical properties (such as structural, functional, and spatial information, amino acid conservation, physicochemical variation, residue mobility, and thermodynamic stability) indicates that this missense variant is not expected to disrupt SLC9A6 protein function with a negative predictive value of 80%. In summary, the available evidence is currently insufficient to determine the role of this variant in disease. Therefore, it has been classified as a Variant of Uncertain Significance.

NM_001379110.1(SLC9A6):c.1330G>A (p.Ala444Thr)

Gene: SLC9A6 (solute carrier family 9 member A6; plus strand). Cytogenetic location: Xq26.3.
Variant type: single nucleotide variant.
Coding change: c.1330G>A on transcript NM_001379110.1 (MANE Select); coding-DNA position 1330, G replaced by A.
Protein change: p.Ala444Thr; replaces alanine 444 with threonine.
Molecular consequence: missense variant.
Genome position (GRCh38, 1-based): chrX:136,024,353, G>A. VCF-style: chrX-136024353-G-A. GRCh37 (hg19) VCF-style: chrX-135106512-G-A.
Other names: c.1486G>A, p.Ala496Thr (NM_001042537.2); c.1330G>A, p.Ala444Thr (NM_001177651.2, NM_001400909.1, NM_001400910.1 and 2 more transcripts); c.1234G>A, p.Ala412Thr (NM_001330652.2, NM_001400913.1); c.1390G>A, p.Ala464Thr (NM_006359.3); short protein forms A412T, A464T, A496T, A444T.
Identifiers: ClinVar variation 1934281 (VCV001934281.5), dbSNP rs2521382560, ClinGen allele CA414754448.